The following is an entry in ClinVar:

NM_001042492.3(NF1):c.655G>T (p.Ala219Ser)

Gene: NF1 (neurofibromin 1; plus strand). Cytogenetic location: 17q11.2.
Variant type: single nucleotide variant.
Coding change: c.655G>T on transcript NM_001042492.3 (MANE Select); coding-DNA position 655, G replaced by T.
Protein change: p.Ala219Ser; replaces alanine 219 with serine.
Molecular consequence: missense variant.
Genome position (GRCh38, 1-based): chr17:31,181,710, G>T. VCF-style: chr17-31181710-G-T. GRCh37 (hg19) VCF-style: chr17-29508728-G-T.
Other names: c.655G>T, p.Ala219Ser (NM_000267.4, NM_001128147.3); short protein forms A219S.
Identifiers: ClinVar variation 3729599 (VCV003729599.3).

ClinVar aggregate classification (germline): Uncertain significance. Review status: criteria provided, multiple submitters, no conflicts (2 of 4 stars). 2 submissions from 2 submitters: Uncertain significance (2). Last evaluated 2026-03-10.

Conditions:
Neurofibromatosis, type 1 (NF1). Also called: Peripheral type neurofibromatosis; Neurofibromatosis, type I; NEUROFIBROMATOSIS, TYPE I, SOMATIC; VON RECKLINGHAUSEN DISEASE. Identifiers: Orphanet 636, MedGen C0027831, MONDO:0018975, OMIM 162200. Disease mechanism: loss of function.

Submissions (2):

GeneDx
Classification: Uncertain significance. Last evaluated: 2026-03-10. Review status: criteria provided, single submitter. Criteria: GeneDx Variant Classification Process June 2021. Collection method: clinical testing. Allele origin: germline.
Comment: Not observed at significant frequency in large population cohorts (gnomAD); In silico analysis supports that this missense variant has a deleterious effect on protein structure/function; In silico analysis is inconclusive as to whether the variant alters gene splicing. In the absence of RNA/functional studies, the actual effect of this sequence change is unknown.; Has not been previously published as pathogenic or benign to our knowledge

Labcorp Genetics (formerly Invitae), Labcorp
Classification: Uncertain significance for Neurofibromatosis, type 1. Last evaluated: 2025-01-26. Review status: criteria provided, single submitter. Criteria: Invitae Variant Classification Sherloc (09022015). Collection method: clinical testing. Allele origin: germline.
Comment: This sequence change replaces alanine, which is neutral and non-polar, with serine, which is neutral and polar, at codon 219 of the NF1 protein (p.Ala219Ser). RNA analysis indicates that this missense change induces altered splicing and may result in an absent or altered protein product. This variant is not present in population databases (gnomAD no frequency). This variant has not been reported in the literature in individuals affected with NF1-related conditions. An algorithm developed to predict the effect of missense changes on protein structure and function (PolyPhen-2) suggests that this variant is likely to be disruptive. Studies have shown that this missense change results in skipping of exon 7, and produces a non-functional protein and/or introduces a premature termination codon (internal data). In summary, the available evidence is currently insufficient to determine the role of this variant in disease. Therefore, it has been classified as a Variant of Uncertain Significance.